The following is an entry in ClinVar:

ClinVar aggregate classification (germline): Uncertain significance (1 of 4 stars; one submission).

Conditions:
MMP21-related disorder. Also called: MMP21-related condition.

Allele frequency attached by ClinVar (database versions not stated): gnomAD exomes below 0.00001; ExAC 0.00001; ESP Exome Variant Server 0.00008.
gnomAD v4.1: 1 of 1,614,210 alleles (0.000062%); no homozygotes.

Submission:

PreventionGenetics, part of Exact Sciences
Classification: Uncertain significance for MMP21-related condition. Last evaluated: 2023-03-08. Review status: criteria provided, single submitter. Criteria: ACMG Guidelines, 2015. Collection method: clinical testing. Allele origin: germline.
Comment: The MMP21 c.1129G>A variant is predicted to result in the amino acid substitution p.Gly377Arg. To our knowledge, this variant has not been reported in the literature. This variant is reported in 0.0046% of alleles in individuals of European (Finnish) descent in gnomAD. At this time, the clinical significance of this variant is uncertain due to the absence of conclusive functional and genetic evidence.

NM_147191.1(MMP21):c.1129G>A (p.Gly377Arg)

Gene: MMP21 (matrix metallopeptidase 21; minus strand). Cytogenetic location: 10q26.2.
Variant type: single nucleotide variant.
Coding change: c.1129G>A on transcript NM_147191.1 (MANE Select); coding-DNA position 1129, G replaced by A.
Protein change: p.Gly377Arg; replaces glycine 377 with arginine.
Molecular consequence: missense variant.
Genome position (GRCh38, 1-based): chr10:125,770,442, C>T on the plus strand (G>A on the coding strand, the complement: MMP21 is on the minus strand). VCF-style: chr10-125770442-C-T. GRCh37 (hg19) VCF-style: chr10-127459011-C-T.
Other names: short protein forms G377R.
Identifiers: ClinVar variation 2633390 (VCV002633390.1), dbSNP rs147129223, ClinGen allele CA5737994.